The following is an entry in ClinVar:

NM_000494.4(COL17A1):c.1650del (p.Met550fs)

Gene: COL17A1 (collagen type XVII alpha 1 chain; minus strand). Cytogenetic location: 10q25.1.
Variant type: Deletion.
Coding change: c.1650del on transcript NM_000494.4 (MANE Select); coding-DNA position 1650, one base deleted (G; older notation c.1650delG).
Protein change: p.Met550fs; shifts the reading frame from methionine 550.
Molecular consequence: frameshift variant.
Genome position (GRCh38, 1-based): chr10:104,055,819, C deleted on the plus strand (G on the coding strand, the reverse complement: COL17A1 is on the minus strand). VCF-style (leftmost placement, unchanged base first): chr10-104055818-AC-A. GRCh37 (hg19) VCF-style: chr10-105815576-AC-A.
Other names: short protein forms M550fs.
Identifiers: ClinVar variation 817376 (VCV000817376.1), dbSNP rs1589567772, ClinGen allele CA915947594.
Genomic context (GRCh38, chr10:104,055,818, plus strand): 5'-CCCTGTGCCCGGCGATGCTCTCACCATTTTCCTGTTCCATCATTAGCTTCTTCCTCACGA[AC>A]ATCCAGAGCTCCTCCTGGCTGTCACTGTGCAGCCCAATTTTGTCCAGGTCTGCTCCCGCC-3'

ClinVar aggregate classification (germline): Likely pathogenic (1 of 4 stars; one submission).

Submission:

GeneDx
Classification: Likely pathogenic. Last evaluated: 2018-12-14. Review status: criteria provided, single submitter. Criteria: GeneDx Variant Classification (06012015). Collection method: clinical testing. Allele origin: germline. Affected: yes.
Comment: The c.1650delG variant in the COL17A1 gene has not been reported previously as a pathogenic variant, nor as a benign variant, to our knowledge. The c.1650delG variant causes a frameshift starting with codon Methionine 550, changes this amino acid to an Isoleucine residue, and creates a premature Stop codon at position 3 of the new reading frame, denoted p.Met550IlefsX3. This variant is predicted to cause loss of normal protein function either through protein truncation or nonsense-mediated mRNA decay. The c.1650delG variant is not observed in large population cohorts (Lek et al., 2016). We interpret c.1650delG as a likely pathogenic variant.